The following is an entry in ClinVar:

NM_000038.6(APC):c.2203G>T (p.Ala735Ser)

Gene: APC (APC regulator of Wnt signaling pathway; plus strand). Cytogenetic location: 5q22.2.
Variant type: single nucleotide variant.
Coding change: c.2203G>T on transcript NM_000038.6 (MANE Select); coding-DNA position 2203, G replaced by T.
Protein change: p.Ala735Ser; replaces alanine 735 with serine.
Molecular consequence: missense variant. On other transcripts: non-coding transcript variant (2).
Genome position (GRCh38, 1-based): chr5:112,837,797, G>T. VCF-style: chr5-112837797-G-T. GRCh37 (hg19) VCF-style: chr5-112173494-G-T.
Other names: c.2203G>T, p.Ala735Ser (NM_001127510.3, NM_001354895.2, NM_001407450.1); c.2149G>T, p.Ala717Ser (NM_001127511.3); c.2257G>T, p.Ala753Ser (NM_001354896.2, NM_001407447.1, NM_001407448.1 and 1 more transcripts); c.2233G>T, p.Ala745Ser (NM_001354897.2); c.2128G>T, p.Ala710Ser (NM_001354898.2); c.2119G>T, p.Ala707Ser (NM_001354899.2); c.2080G>T, p.Ala694Ser (NM_001354900.2); c.2026G>T, p.Ala676Ser (NM_001354901.2, NM_001407453.1); and 11 more; short protein forms A452S, A606S, A644S, A717S, A609S, A634S, A652S, A351S.
Identifiers: ClinVar variation 2771975 (VCV002771975.3), dbSNP rs559313229, ClinGen allele CA16026159.

ClinVar aggregate classification (germline): Uncertain significance (1 of 4 stars; one submission).

Conditions:
Familial adenomatous polyposis 1 (FAP1). Also called: POLYPOSIS, ADENOMATOUS INTESTINAL; FAMILIAL ADENOMATOUS POLYPOSIS 1, ATTENUATED. Identifiers: MedGen C2713442, MONDO:0021056, OMIM 175100. Disease mechanism: loss of function.

Submission:

Labcorp Genetics (formerly Invitae), Labcorp
Classification: Uncertain significance for Familial adenomatous polyposis 1. Last evaluated: 2023-10-27. Review status: criteria provided, single submitter. Criteria: Invitae Variant Classification Sherloc (09022015). Collection method: clinical testing. Allele origin: germline.
Comment: This sequence change replaces alanine, which is neutral and non-polar, with serine, which is neutral and polar, at codon 735 of the APC protein (p.Ala735Ser). This variant is not present in population databases (gnomAD no frequency). This variant has not been reported in the literature in individuals affected with APC-related conditions. Advanced modeling of protein sequence and biophysical properties (such as structural, functional, and spatial information, amino acid conservation, physicochemical variation, residue mobility, and thermodynamic stability) performed at Invitae indicates that this missense variant is not expected to disrupt APC protein function with a negative predictive value of 95%. In summary, the available evidence is currently insufficient to determine the role of this variant in disease. Therefore, it has been classified as a Variant of Uncertain Significance.